The following is an entry in ClinVar:

ClinVar aggregate classification (germline): Uncertain significance. Review status: criteria provided, single submitter (1 of 4 stars). 2 submissions from 2 submitters: Uncertain significance (1). 1 of the submissions does not count toward it. Last evaluated 2023-08-04.

Conditions:
MPDZ-related disorder. Also called: MPDZ-related condition.

Submissions (2):

Labcorp Genetics (formerly Invitae), Labcorp
Classification: Uncertain significance. Last evaluated: 2023-08-04. Review status: criteria provided, single submitter. Criteria: Invitae Variant Classification Sherloc (09022015). Collection method: clinical testing. Allele origin: germline.
Comment: In summary, the available evidence is currently insufficient to determine the role of this variant in disease. Therefore, it has been classified as a Variant of Uncertain Significance. An algorithm developed to predict the effect of missense changes on protein structure and function (PolyPhen-2) suggests that this variant is likely to be disruptive. ClinVar contains an entry for this variant (Variation ID: 1910306). This variant has not been reported in the literature in individuals affected with MPDZ-related conditions. This variant is not present in population databases (gnomAD no frequency). This sequence change replaces isoleucine, which is neutral and non-polar, with leucine, which is neutral and non-polar, at codon 333 of the MPDZ protein (p.Ile333Leu).

PreventionGenetics, part of Exact Sciences
Classification: Uncertain significance for MPDZ-related condition. Last evaluated: 2024-02-21. Review status: no assertion criteria provided. Collection method: clinical testing. Allele origin: germline. Not counted in ClinVar's aggregate classification.
Comment: The MPDZ c.997A>C variant is predicted to result in the amino acid substitution p.Ile333Leu. To our knowledge, this variant has not been reported in the literature or in a large population database, indicating this variant is rare. At this time, the clinical significance of this variant is uncertain due to the absence of conclusive functional and genetic evidence.

NM_001378778.1(MPDZ):c.997A>C (p.Ile333Leu)

Gene: MPDZ (multiple PDZ domain crumbs cell polarity complex component; minus strand). Cytogenetic location: 9p23.
Variant type: single nucleotide variant.
Coding change: c.997A>C on transcript NM_001378778.1 (MANE Select); coding-DNA position 997, A replaced by C.
Protein change: p.Ile333Leu; replaces isoleucine 333 with leucine.
Molecular consequence: missense variant.
Genome position (GRCh38, 1-based): chr9:13,219,648, T>G on the plus strand (A>C on the coding strand, the complement: MPDZ is on the minus strand). VCF-style: chr9-13219648-T-G. GRCh37 (hg19) VCF-style: chr9-13219647-T-G.
Other names: c.997A>C, p.Ile333Leu (NM_001261406.2, NM_001261407.2, NM_001330637.2 and 14 more transcripts); c.997A>C (NM_003829.4); short protein forms I333L.
Identifiers: ClinVar variation 1910306 (VCV001910306.7), dbSNP rs1958825741, ClinGen allele CA372945639.
Genomic context (GRCh38, chr9:13,219,648, plus strand): 5'-AGGAGAGGGTGATGCCCAAAGCAGTGGGTGCTGTACGTTCTTCTATGGCACCTCTTGCAA[T>G]CATCAACTTAACTCTATTTCCACATTGCCTAAGGACTTGTGCTACTTGCTCACTGCTCAT-3'
Protein context (NP_001365707.1, residues 323-343): RQCGNRVKLM[Ile333Leu]ARGAIEERTA